The following is an entry in ClinVar:

NM_000092.5(COL4A4):c.539G>A (p.Gly180Asp)

Gene: COL4A4 (collagen type IV alpha 4 chain; minus strand). Cytogenetic location: 2q36.3.
Variant type: single nucleotide variant.
Coding change: c.539G>A on transcript NM_000092.5 (MANE Select); coding-DNA position 539, G replaced by A.
Protein change: p.Gly180Asp; replaces glycine 180 with aspartic acid.
Molecular consequence: missense variant.
Genome position (GRCh38, 1-based): chr2:227,114,647, C>T on the plus strand (G>A on the coding strand, the complement: COL4A4 is on the minus strand). VCF-style: chr2-227114647-C-T. GRCh37 (hg19) VCF-style: chr2-227979363-C-T.
Other names: short protein forms G180D.
Identifiers: ClinVar variation 1363787 (VCV001363787.6), dbSNP rs770685084, ClinGen allele CA2145635.

ClinVar aggregate classification (germline): Uncertain significance (1 of 4 stars; one submission).

Allele frequency attached by ClinVar (database versions not stated): TOPMed below 0.00001; ExAC 0.00001; gnomAD exomes 0.00001 and 0.00002.
gnomAD v4.1: 5 of 1,614,034 alleles (0.00031%); highest among the groups gnomAD compares: Admixed American, 0.0083%; no homozygotes.

Submission:

Labcorp Genetics (formerly Invitae), Labcorp
Classification: Uncertain significance. Last evaluated: 2025-06-12. Review status: criteria provided, single submitter. Criteria: Invitae Variant Classification Sherloc (09022015). Collection method: clinical testing. Allele origin: germline.
Comment: This sequence change replaces glycine, which is neutral and non-polar, with aspartic acid, which is acidic and polar, at codon 180 of the COL4A4 protein (p.Gly180Asp). This variant is present in population databases (rs770685084, gnomAD 0.006%). This variant has not been reported in the literature in individuals affected with COL4A4-related conditions. ClinVar contains an entry for this variant (Variation ID: 1363787). Invitae Evidence Modeling of protein sequence and biophysical properties (such as structural, functional, and spatial information, amino acid conservation, physicochemical variation, residue mobility, and thermodynamic stability) indicates that this missense variant is not expected to disrupt COL4A4 protein function with a negative predictive value of 95%. In summary, the available evidence is currently insufficient to determine the role of this variant in disease. Therefore, it has been classified as a Variant of Uncertain Significance.